The following is an entry in ClinVar:

NM_001166108.2(PALLD):c.1965-12625A>G

Gene: PALLD (palladin, cytoskeletal associated protein; plus strand). Cytogenetic location: 4q32.3.
Variant type: single nucleotide variant.
Coding change: c.1965-12625A>G on transcript NM_001166108.2 (MANE Select); 12625 bases into the intron before coding-DNA position 1965, A replaced by G.
Molecular consequence: intron variant. On other transcripts: missense variant (1).
Genome position (GRCh38, 1-based): chr4:168,878,297, A>G. VCF-style: chr4-168878297-A-G. GRCh37 (hg19) VCF-style: chr4-169799448-A-G.
Other names: c.406A>G, p.Ser136Gly (NM_001166110.2); c.1965-12625A>G (NM_016081.4, NM_001166108.1); c.819-12625A>G (NM_001166109.2); c.-157-12625A>G (NM_001367570.1, NM_001367568.1, NM_001367567.1 and 1 more transcripts); short protein forms S136G.
Identifiers: ClinVar variation 182793 (VCV000182793.18), dbSNP rs62333013, ClinGen allele CA299807.

ClinVar aggregate classification (germline): Benign. Review status: criteria provided, multiple submitters, no conflicts (2 of 4 stars). 5 submissions from 5 submitters: Benign (5). Last evaluated 2026-02-04.

Conditions:
Pancreatic adenocarcinoma. Identifiers: MedGen C0281361, MONDO:0006047, HP:0006725.
Pancreatic cancer, susceptibility to, 1. Identifiers: Orphanet 1333, MedGen C1847351, MONDO:0011739, OMIM 606856.

Allele frequency attached by ClinVar (database versions not stated): 1000 Genomes Project 30x 0.47377; 1000 Genomes Project 0.47863; TOPMed 0.47924; gnomAD 0.49745 and 0.50634; gnomAD exomes 0.61254 and 0.62544; ExAC 0.64643.
gnomAD v4.1: 934,610 of 1,525,872 alleles (61%); highest among the groups gnomAD compares: South Asian, 66%; 295,098 homozygotes.

Submissions (5):

Labcorp Genetics (formerly Invitae), Labcorp
Classification: Benign for Pancreatic adenocarcinoma. Last evaluated: 2026-02-04. Review status: criteria provided, single submitter. Criteria: Invitae Variant Classification Sherloc (09022015). Collection method: clinical testing. Allele origin: germline.

KCCC/NGS Laboratory, Kuwait Cancer Control Center
Classification: Benign for Pancreatic cancer, susceptibility to, 1. Last evaluated: 2023-07-07. Review status: criteria provided, single submitter. Criteria: ACMG Guidelines, 2015. Collection method: clinical testing. Allele origin: germline. Affected: yes.

Ambry Genetics
Classification: Benign. Last evaluated: 2020-07-30. Review status: criteria provided, single submitter. Criteria: Ambry Variant Classification Scheme 2023. Collection method: clinical testing. Allele origin: germline.

Laboratory for Molecular Medicine, Mass General Brigham Personalized Medicine
Classification: Benign. Last evaluated: 2016-03-28. Review status: criteria provided, single submitter. Criteria: LMM Criteria. Collection method: clinical testing. Allele origin: germline.
Comment: Variant identified in a genome or exome case(s) and assessed due to predicted null impact of the variant or pathogenic assertions in the literature or databases. Disclaimer: This variant has not undergone full assessment. The following are preliminary notes: Frequency

Breakthrough Genomics
Classification: Benign. Review status: criteria provided, single submitter. Criteria: ACMG Guidelines, 2015. Collection method: not provided. Allele origin: germline. Inheritance: Autosomal dominant inheritance. Affected: yes.